The following is an entry in ClinVar:

ClinVar aggregate classification (germline): Likely pathogenic. Review status: criteria provided, single submitter (1 of 4 stars). 2 submissions from 2 submitters: Likely pathogenic (1). 1 of the submissions does not count toward it. Last evaluated 2024-10-23.

Conditions:
ALG6-congenital disorder of glycosylation 1C (CDG1C). Also called: Congenital disorder of glycosylation type 1C; CDG Ic; CARBOHYDRATE-DEFICIENT GLYCOPROTEIN SYNDROME, TYPE I, WITH DEFICIENT GLYCOSYLATION OF DOLICHOL-LINKED OLIGOSACCHARIDE; CARBOHYDRATE-DEFICIENT GLYCOPROTEIN SYNDROME, TYPE V; Congenital disorder of glycosylation, type Ic. Identifiers: Orphanet 79320, MedGen C2930997, MONDO:0011291, OMIM 603147.

Allele frequency attached by ClinVar (database versions not stated): gnomAD exomes below 0.00001.
gnomAD v4.1: 2 of 1,613,936 alleles (0.00012%); highest among the groups gnomAD compares: Non-Finnish European, 0.00017%; no homozygotes.

Submissions (2):

Women's Health and Genetics/Laboratory Corporation of America, LabCorp
Classification: Likely pathogenic for ALG6-congenital disorder of glycosylation 1C. Last evaluated: 2024-10-23. Review status: criteria provided, single submitter. Criteria: LabCorp Variant Classification Summary - May 2015. Collection method: clinical testing. Allele origin: germline.
Comment: Variant summary: ALG6 c.1432T>C (p.Ser478Pro) results in a non-conservative amino acid change in the encoded protein sequence. Four of four in-silico tools predict a damaging effect of the variant on protein function. The variant was absent in 250952 control chromosomes (gnomAD). c.1432T>C has been reported in the literature in individuals affected with Congenital Disorder Of Glycosylation Type 1C (Imbach_2000). These data indicate that the variant is likely to be associated with disease. This publication also reports experimental evidence evaluating an impact on protein function, finding that the variant results in a failure to rescue glycosylation defect in yeast. The following publication has been ascertained in the context of this evaluation (PMID: 10914684). ClinVar contains an entry for this variant (Variation ID: 5498). Based on the evidence outlined above, the variant was classified as likely pathogenic.

OMIM
Classification: Pathogenic for CONGENITAL DISORDER OF GLYCOSYLATION, TYPE Ic. Last evaluated: 2001-01-01. Review status: no assertion criteria provided. Collection method: literature only. Allele origin: germline. Not counted in ClinVar's aggregate classification.

Literature cited by the submitters: PubMed 10914684 (cited by Women's Health and Genetics/Laboratory Corporation of America, LabCorp and OMIM); PubMed 11558905 (cited by OMIM).

NM_013339.4(ALG6):c.1432T>C (p.Ser478Pro)

Gene: ALG6 (ALG6 alpha-1,3-glucosyltransferase; plus strand). Cytogenetic location: 1p31.3.
Variant type: single nucleotide variant.
Coding change: c.1432T>C on transcript NM_013339.4 (MANE Select); coding-DNA position 1432, T replaced by C.
Protein change: p.Ser478Pro; replaces serine 478 with proline.
Molecular consequence: missense variant.
Genome position (GRCh38, 1-based): chr1:63,436,928, T>C. VCF-style: chr1-63436928-T-C. GRCh37 (hg19) VCF-style: chr1-63902599-T-C.
Other names: c.1432T>C, p.Ser478Pro (LRG_1260t1); short protein forms S478P.
Identifiers: ClinVar variation 5498 (VCV000005498.2), dbSNP rs121908444, ClinGen allele CA253506.